The following is an entry in ClinVar:

NM_005051.3(QARS1):c.1004C>G (p.Ala335Gly)

Gene: QARS1 (glutaminyl-tRNA synthetase 1; minus strand). Cytogenetic location: 3p21.31.
Variant type: single nucleotide variant.
Coding change: c.1004C>G on transcript NM_005051.3 (MANE Select); coding-DNA position 1004, C replaced by G.
Protein change: p.Ala335Gly; replaces alanine 335 with glycine.
Molecular consequence: missense variant. On other transcripts: non-coding transcript variant (1).
Genome position (GRCh38, 1-based): chr3:49,100,431, G>C on the plus strand (C>G on the coding strand, the complement: QARS1 is on the minus strand). VCF-style: chr3-49100431-G-C. GRCh37 (hg19) VCF-style: chr3-49137864-G-C.
Other names: c.971C>G, p.Ala324Gly (NM_001272073.2); short protein forms A324G, A335G.
Identifiers: ClinVar variation 842258 (VCV000842258.6), dbSNP rs778484822, ClinGen allele CA352711220.

ClinVar aggregate classification (germline): Uncertain significance (1 of 4 stars; one submission).

Conditions:
Diffuse cerebral and cerebellar atrophy - intractable seizures - progressive microcephaly syndrome. Also called: Microcephaly, progressive, with seizures and cerebral and cerebellar atrophy. Identifiers: Orphanet 404437, MedGen C4014239, MONDO:0014335, OMIM 615760.

Submission:

Labcorp Genetics (formerly Invitae), Labcorp
Classification: Uncertain significance for Diffuse cerebral and cerebellar atrophy - intractable seizures - progressive microcephaly syndrome. Last evaluated: 2022-07-12. Review status: criteria provided, single submitter. Criteria: Invitae Variant Classification Sherloc (09022015). Collection method: clinical testing. Allele origin: germline.
Comment: This variant is not present in population databases (gnomAD no frequency). This variant has not been reported in the literature in individuals affected with QARS-related conditions. ClinVar contains an entry for this variant (Variation ID: 842258). Algorithms developed to predict the effect of missense changes on protein structure and function are either unavailable or do not agree on the potential impact of this missense change (SIFT: "Tolerated"; PolyPhen-2: "Probably Damaging"; Align-GVGD: "Class C0"). In summary, the available evidence is currently insufficient to determine the role of this variant in disease. Therefore, it has been classified as a Variant of Uncertain Significance. This sequence change replaces alanine, which is neutral and non-polar, with glycine, which is neutral and non-polar, at codon 335 of the QARS protein (p.Ala335Gly).